The following is an entry in ClinVar:

NM_025257.3(SLC44A4):c.1685T>C (p.Met562Thr)

Gene: SLC44A4 (solute carrier family 44 member 4; minus strand). Cytogenetic location: 6p21.33.
Variant type: single nucleotide variant.
Coding change: c.1685T>C on transcript NM_025257.3 (MANE Select); coding-DNA position 1685, T replaced by C.
Protein change: p.Met562Thr; replaces methionine 562 with threonine.
Molecular consequence: missense variant.
Genome position (GRCh38, 1-based): chr6:31,865,499, A>G on the plus strand (T>C on the coding strand, the complement: SLC44A4 is on the minus strand). VCF-style: chr6-31865499-A-G. GRCh37 (hg19) VCF-style: chr6-31833276-A-G.
Other names: c.1559T>C, p.Met520Thr (NM_001178044.2); c.1457T>C, p.Met486Thr (NM_001178045.2); c.1685T>C, p.Met562Thr (NM_032794.1); short protein forms M562T, M520T, M486T.
Identifiers: ClinVar variation 2874058 (VCV002874058.3), dbSNP rs1386772505, ClinGen allele CA363504282.
Genomic context (GRCh38, chr6:31,865,499, plus strand): 5'-GATGGGGGTGTCTAGACCAAAGGGCACCAGAACAAAGGGTTGCTTGCAGTGTAGCTCACC[A>G]TGATGTATGCATTGCGGTTTAGGAACTTGATAAATTTTTCCAGACACCAGAGGCAGCACT-3'
Protein context (NP_079533.2, residues 552-572): IKFLNRNAYI[Met562Thr]IAIYGKNFCV

ClinVar aggregate classification (germline): Uncertain significance (1 of 4 stars; one submission).

Allele frequency attached by ClinVar (database versions not stated): gnomAD exomes below 0.00001.
gnomAD v4.1: 3 of 1,610,848 alleles (0.00019%); highest among the groups gnomAD compares: South Asian, 0.0011%; no homozygotes.

Submission:

Labcorp Genetics (formerly Invitae), Labcorp
Classification: Uncertain significance. Last evaluated: 2023-05-20. Review status: criteria provided, single submitter. Criteria: Invitae Variant Classification Sherloc (09022015). Collection method: clinical testing. Allele origin: germline.
Comment: This sequence change replaces methionine, which is neutral and non-polar, with threonine, which is neutral and polar, at codon 562 of the SLC44A4 protein (p.Met562Thr). This variant is present in population databases (no rsID available, gnomAD no frequency). This variant has not been reported in the literature in individuals affected with SLC44A4-related conditions. An algorithm developed to predict the effect of missense changes on protein structure and function (PolyPhen-2) suggests that this variant is likely to be disruptive. In summary, the available evidence is currently insufficient to determine the role of this variant in disease. Therefore, it has been classified as a Variant of Uncertain Significance.